The following is an entry in ClinVar:

NM_182977.3(NNT):c.1322C>T (p.Pro441Leu)

Gene: NNT (nicotinamide nucleotide transhydrogenase; plus strand). Cytogenetic location: 5p12.
Variant type: single nucleotide variant.
Coding change: c.1322C>T on transcript NM_182977.3 (MANE Select); coding-DNA position 1322, C replaced by T.
Protein change: p.Pro441Leu; replaces proline 441 with leucine.
Molecular consequence: missense variant.
Genome position (GRCh38, 1-based): chr5:43,645,388, C>T. VCF-style: chr5-43645388-C-T. GRCh37 (hg19) VCF-style: chr5-43645490-C-T.
Other names: c.929C>T, p.Pro310Leu (NM_001331026.2); c.1322C>T, p.Pro441Leu (NM_012343.4); short protein forms P310L, P441L.
Identifiers: ClinVar variation 1806575 (VCV001806575.1), dbSNP rs145978878, ClinGen allele CA3257948.

ClinVar aggregate classification (germline): Uncertain significance (1 of 4 stars; one submission).

Allele frequency attached by ClinVar (database versions not stated): gnomAD 0.00007; ESP Exome Variant Server 0.00008; TOPMed 0.00008; ExAC 0.00010; gnomAD exomes 0.00014.
gnomAD v4.1: 203 of 1,554,844 alleles (0.013%); highest among the groups gnomAD compares: South Asian, 0.032%; no homozygotes.

Submission:

GeneDx
Classification: Uncertain significance. Last evaluated: 2022-12-19. Review status: criteria provided, single submitter. Criteria: GeneDx Variant Classification Process June 2021. Collection method: clinical testing. Allele origin: germline. Affected: yes.
Comment: In silico analysis supports that this missense variant has a deleterious effect on protein structure/function; Has not been previously published as pathogenic or benign to our knowledge